The following is an entry in ClinVar:

NM_000228.3(LAMB3):c.116G>A (p.Arg39Gln)

Gene: LAMB3 (laminin subunit beta 3; minus strand). Cytogenetic location: 1q32.2.
Variant type: single nucleotide variant.
Coding change: c.116G>A on transcript NM_000228.3 (MANE Select); coding-DNA position 116, G replaced by A.
Protein change: p.Arg39Gln; replaces arginine 39 with glutamine.
Molecular consequence: missense variant.
Genome position (GRCh38, 1-based): chr1:209,650,031, C>T on the plus strand (G>A on the coding strand, the complement: LAMB3 is on the minus strand). VCF-style: chr1-209650031-C-T. GRCh37 (hg19) VCF-style: chr1-209823376-C-T.
Other names: c.116G>A (NM_000228.2); c.116G>A, p.Arg39Gln (NM_001017402.2, NM_001127641.1); short protein forms R39Q.
Identifiers: ClinVar variation 2140379 (VCV002140379.16), dbSNP rs146125956, ClinGen allele CA1376097.
Genomic context (GRCh38, chr1:209,650,031, plus strand): 5'-TACTGGGTGCAGTAGGTCTCAGGCTTGGTCAGTCCACAGGTAGATGAAGCTCGGAGAAAC[C>T]GGGTCCTCCCAACAAGCAGGTCCCCAACAGGTGGATAGCAGGCCCCACGGGAGCAGGCTT-3'
Protein context (NP_000219.2, residues 29-49): PVGDLLVGRT[Arg39Gln]FLRASSTCGL

ClinVar aggregate classification (germline): Conflicting classifications of pathogenicity. Review status: criteria provided, conflicting classifications (1 of 4 stars). 3 submissions from 3 submitters: Uncertain significance (2); Likely benign (1). Last evaluated 2025-02-01.

Conditions:
Inborn genetic diseases. Identifiers: MedGen C0950123, MeSH D030342.

Allele frequency attached by ClinVar (database versions not stated): ExAC 0.00012; gnomAD exomes 0.00013; ESP Exome Variant Server 0.00015.
gnomAD v4.1: 220 of 1,614,032 alleles (0.014%); highest among the groups gnomAD compares: Admixed American, 0.04%; no homozygotes.

Submissions (3):

CeGaT Center for Human Genetics Tuebingen
Classification: Uncertain significance. Last evaluated: 2025-02-01. Review status: criteria provided, single submitter. Criteria: CeGaT Center For Human Genetics Tuebingen Variant Classification Criteria Version 2. Collection method: clinical testing. Allele origin: germline. Affected: yes. Observed: 1 variant allele.
Comment: LAMB3: PM2, BP4

Ambry Genetics
Classification: Likely benign for Inborn genetic diseases. Last evaluated: 2023-02-22. Review status: criteria provided, single submitter. Criteria: Ambry Variant Classification Scheme 2023. Collection method: clinical testing. Allele origin: germline.

Labcorp Genetics (formerly Invitae), Labcorp
Classification: Uncertain significance. Last evaluated: 2022-07-07. Review status: criteria provided, single submitter. Criteria: Invitae Variant Classification Sherloc (09022015). Collection method: clinical testing. Allele origin: germline.
Comment: This sequence change replaces arginine, which is basic and polar, with glutamine, which is neutral and polar, at codon 39 of the LAMB3 protein (p.Arg39Gln). This variant is present in population databases (rs146125956, gnomAD 0.04%). This variant has not been reported in the literature in individuals affected with LAMB3-related conditions. Algorithms developed to predict the effect of missense changes on protein structure and function output the following: SIFT: "Tolerated"; PolyPhen-2: "Benign"; Align-GVGD: "Class C0". The glutamine amino acid residue is found in multiple mammalian species, which suggests that this missense change does not adversely affect protein function. In summary, the available evidence is currently insufficient to determine the role of this variant in disease. Therefore, it has been classified as a Variant of Uncertain Significance.